The following is an entry in ClinVar:

ClinVar aggregate classification (germline): Conflicting classifications of pathogenicity. Review status: criteria provided, conflicting classifications (1 of 4 stars). 3 submissions from 3 submitters: Uncertain significance (1); Benign (1); Likely benign (1). Last evaluated 2025-12-01.

Conditions:
Retinoblastoma (RB1). Also called: RETINOBLASTOMA, SOMATIC. Identifiers: Orphanet 790, MedGen C0035335, MeSH D012175, MONDO:0008380, OMIM 180200, HP:0009919. Disease mechanism: loss of function. Inheritance: Both sporadic and heritable forms are tested..

Allele frequency attached by ClinVar (database versions not stated): gnomAD exomes 0.00002 and 0.00001; gnomAD 0.00002; ExAC 0.00001; TOPMed 0.00002.
gnomAD v4.1: 35 of 1,611,476 alleles (0.0022%); highest among the groups gnomAD compares: Middle Eastern, 0.017%; no homozygotes.

Submissions (3):

Labcorp Genetics (formerly Invitae), Labcorp
Classification: Likely benign for Retinoblastoma. Last evaluated: 2025-12-01. Review status: criteria provided, single submitter. Criteria: Invitae Variant Classification Sherloc (09022015). Collection method: clinical testing. Allele origin: germline.

Color Diagnostics, LLC DBA Color Health
Classification: Benign for Retinoblastoma. Last evaluated: 2025-06-12. Review status: criteria provided, single submitter. Criteria: ACMG Guidelines, 2015. Collection method: clinical testing. Allele origin: germline.

All of Us Research Program, National Institutes of Health
Classification: Uncertain significance for Retinoblastoma. Last evaluated: 2023-11-02. Review status: criteria provided, single submitter. Criteria: ACMG Guidelines, 2015. Collection method: clinical testing. Allele origin: germline. Inheritance: Autosomal dominant inheritance. Observed: 9 variant alleles, 9 heterozygotes.
Comment: This variant causes a T to G nucleotide substitution at the -7 position of intron 6 of the RB1 gene. To our knowledge, functional studies have not been reported for this variant. This variant has not been reported in individuals affected with RB1-related disorders in the literature. This variant has been identified in 4/281104 chromosomes in the general population by the Genome Aggregation Database (gnomAD). The available evidence is insufficient to determine the role of this variant in disease conclusively. Therefore, this variant is classified as a Variant of Uncertain Significance.

This study involves interpretation of variants in research participants for the purpose of population health screening. Participant phenotype was not available at the time of variant classification. Additional details can be found in publication PMID: 35346344, PMCID: PMC8962531

NM_000321.3(RB1):c.608-7T>G

Gene: RB1 (RB transcriptional corepressor 1; plus strand). Cytogenetic location: 13q14.2.
Variant type: single nucleotide variant.
Coding change: c.608-7T>G on transcript NM_000321.3 (MANE Select); 7 bases into the intron before coding-DNA position 608, T replaced by G.
Molecular consequence: intron variant.
Genome position (GRCh38, 1-based): chr13:48,360,010, T>G. VCF-style: chr13-48360010-T-G. GRCh37 (hg19) VCF-style: chr13-48934146-T-G.
Identifiers: ClinVar variation 770677 (VCV000770677.12), dbSNP rs746360576, ClinGen allele CA039089.